The following is an entry in ClinVar:

NM_025137.4(SPG11):c.4492_4493del (p.Val1498fs)

Gene: SPG11 (SPG11 vesicle trafficking associated, spatacsin; minus strand). Cytogenetic location: 15q21.1.
Variant type: Deletion.
Coding change: c.4492_4493del on transcript NM_025137.4 (MANE Select); coding-DNA positions 4492 to 4493, 2 bases deleted (GT; older notation c.4492_4493delGT).
Protein change: p.Val1498fs; shifts the reading frame from valine 1498.
Molecular consequence: frameshift variant.
Genome position (GRCh38, 1-based): chr15:44,595,401-44,595,402, AC deleted on the plus strand (GT on the coding strand, the reverse complement: SPG11 is on the minus strand); deleting any 2 consecutive bases within chr15:44,595,401-44,595,403 gives the same sequence; the c. name uses the placement nearest the transcript's 3' end. VCF-style (leftmost placement, unchanged base first): chr15-44595400-AAC-A. GRCh37 (hg19) VCF-style: chr15-44887598-AAC-A.
Other names: c.4492_4493del, p.Val1498fs (NM_001160227.2, NM_001411132.1); short protein forms V1498fs.
Identifiers: ClinVar variation 3577154 (VCV003577154.3).

ClinVar aggregate classification (germline): Pathogenic/Likely pathogenic. Review status: criteria provided, multiple submitters, no conflicts (2 of 4 stars). 2 submissions from 2 submitters: Pathogenic (1); Likely pathogenic (1). Last evaluated 2025-10-07.

Conditions:
Hereditary spastic paraplegia 11. Also called: SPASTIC PARAPLEGIA, AUTOSOMAL RECESSIVE, COMPLICATED, WITH THIN CORPUS CALLOSUM; SPASTIC PARAPLEGIA, AUTOSOMAL RECESSIVE, WITH MENTAL IMPAIRMENT AND THIN CORPUS CALLOSUM; Spastic Paraplegia 11; Nakamura Osame syndrome; Autosomal recessive hereditary spastic paraplegia, mental impairment, and thin corpus callosum; Spastic paraplegia, mental retardation and thin corpus callosum. Identifiers: Orphanet 2822, MedGen C1858479, MONDO:0011445, OMIM 604360.
Charcot-Marie-Tooth disease axonal type 2X. Also called: CHARCOT-MARIE-TOOTH DISEASE, AXONAL, AUTOSOMAL RECESSIVE, TYPE 2X; CHARCOT-MARIE-TOOTH NEUROPATHY, TYPE 2X. Identifiers: Orphanet 466775, MedGen C5569024, MONDO:0014726, OMIM 616668.
Amyotrophic lateral sclerosis type 5 (ALS5). Also called: AMYOTROPHIC LATERAL SCLEROSIS 5, JUVENILE. Identifiers: Orphanet 300605, MedGen C1865864, MONDO:0011196, OMIM 602099.

Submissions (2):

Labcorp Genetics (formerly Invitae), Labcorp
Classification: Pathogenic for Hereditary spastic paraplegia 11. Last evaluated: 2025-10-07. Review status: criteria provided, single submitter. Criteria: Invitae Variant Classification Sherloc (09022015). Collection method: clinical testing. Allele origin: germline.
Comment: This sequence change creates a premature translational stop signal (p.Val1498Cysfs*3) in the SPG11 gene. It is expected to result in an absent or disrupted protein product. Loss-of-function variants in SPG11 are known to be pathogenic (PMID: 19105190, 20110243, 22154821, 26556829). This variant is not present in population databases (gnomAD no frequency). This variant has not been reported in the literature in individuals affected with SPG11-related conditions. ClinVar contains an entry for this variant (Variation ID: 3577154). For these reasons, this variant has been classified as Pathogenic.

Fulgent Genetics
Classification: Likely pathogenic for Amyotrophic lateral sclerosis type 5; Hereditary spastic paraplegia 11; Charcot-Marie-Tooth disease axonal type 2X. Last evaluated: 2024-06-17. Review status: criteria provided, single submitter. Criteria: ACMG Guidelines, 2015. Collection method: clinical testing. Allele origin: germline.

Literature cited by the submitters: PubMed 19105190 (cited by Labcorp Genetics (formerly Invitae), Labcorp); PubMed 20110243 (cited by Labcorp Genetics (formerly Invitae), Labcorp); PubMed 22154821 (cited by Labcorp Genetics (formerly Invitae), Labcorp); PubMed 26556829 (cited by Labcorp Genetics (formerly Invitae), Labcorp).